The following is an entry in ClinVar:

ClinVar aggregate classification (germline): Likely pathogenic (1 of 4 stars; one submission).

Conditions:
Congenital hyperammonemia, type I. Also called: Carbamoyl phosphate synthetase 1 deficiency; Hyperammonemia due to carbamoyl phosphate synthetase 1 deficiency; CPS 1 deficiency; Carbamyl phosphate synthetase (CPS) deficiency; CPS I DEFICIENCY; Carbamoyl-phosphate synthase I deficiency. Identifiers: Orphanet 147, MedGen C4082171, MONDO:0009376, OMIM 237300.

Submission:

Myriad Genetics, Inc.
Classification: Likely pathogenic for Congenital hyperammonemia, type I. Last evaluated: 2022-03-02. Review status: criteria provided, single submitter. Criteria: Myriad Women's Health Autosomal Recessive and X-Linked Classification Criteria (2021). Collection method: clinical testing. Allele origin: unknown.
Comment: NM_001875.4(CPS1):c.2943T>A(C981*) is expected to be pathogenic in the context of carbamoylphosphate synthetase I deficiency. This variant is predicted to lead to an abnormal or absent protein product due to the creation of a premature termination codon in CPS1, a gene where loss-of-function variants are known to be pathogenic. Please note: this variant was assessed in the context of healthy population screening.

NM_001875.5(CPS1):c.2943T>A (p.Cys981Ter)

Gene: CPS1 (carbamoyl-phosphate synthase 1; plus strand). Cytogenetic location: 2q34.
Variant type: single nucleotide variant.
Coding change: c.2943T>A on transcript NM_001875.5 (MANE Select); coding-DNA position 2943, T replaced by A.
Protein change: p.Cys981Ter; replaces cysteine 981 with a stop codon.
Molecular consequence: nonsense. On other transcripts: non-coding transcript variant (2).
Genome position (GRCh38, 1-based): chr2:210,640,043, T>A. VCF-style: chr2-210640043-T-A. GRCh37 (hg19) VCF-style: chr2-211504767-T-A.
Other names: c.2943T>A, p.Cys981Ter (NM_001122633.3, NM_001369257.1); c.2976T>A, p.Cys992Ter (NM_001369256.1); short protein forms C981*, C992*.
Identifiers: ClinVar variation 1724926 (VCV001724926.2), dbSNP rs2469268786, ClinGen allele CA350432604.